The following is an entry in ClinVar:

ClinVar aggregate classification (germline): Uncertain significance. Review status: criteria provided, multiple submitters, no conflicts (2 of 4 stars). 2 submissions from 2 submitters: Uncertain significance (2). Last evaluated 2022-08-22.

Conditions:
Meckel-Gruber syndrome. Also called: DYSENCEPHALIA SPLANCHNOCYSTICA; GRUBER SYNDROME; Dysencephalia splachnocystica. Identifiers: Orphanet 564, MedGen C0265215, MONDO:0018921.
Joubert syndrome. Also called: JOUBERT-BOLTSHAUSER SYNDROME; Familial aplasia of the vermis. Identifiers: Orphanet 475, MedGen C5979921, MONDO:0018772.

Submissions (2):

Labcorp Genetics (formerly Invitae), Labcorp
Classification: Uncertain significance for Joubert syndrome; Meckel-Gruber syndrome. Last evaluated: 2022-08-22. Review status: criteria provided, single submitter. Criteria: Invitae Variant Classification Sherloc (09022015). Collection method: clinical testing. Allele origin: germline.
Comment: Variants that disrupt the consensus splice site are a relatively common cause of aberrant splicing (PMID: 17576681, 9536098). Algorithms developed to predict the effect of sequence changes on RNA splicing suggest that this variant may disrupt the consensus splice site. ClinVar contains an entry for this variant (Variation ID: 1012599). This variant has not been reported in the literature in individuals affected with TMEM67-related conditions. This variant is not present in population databases (gnomAD no frequency). This sequence change falls in intron 8 of the TMEM67 gene. It does not directly change the encoded amino acid sequence of the TMEM67 protein. It affects a nucleotide within the consensus splice site. In summary, the available evidence is currently insufficient to determine the role of this variant in disease. Therefore, it has been classified as a Variant of Uncertain Significance.

CeGaT Center for Human Genetics Tuebingen
Classification: Uncertain significance. Last evaluated: 2021-01-01. Review status: criteria provided, single submitter. Criteria: CeGaT Center For Human Genetics Tuebingen Variant Classification Criteria Version 2. Collection method: clinical testing. Allele origin: germline. Affected: yes. Observed: 1 variant allele.

Literature cited by the submitters: PubMed 17576681 (cited by Labcorp Genetics (formerly Invitae), Labcorp); PubMed 9536098 (cited by Labcorp Genetics (formerly Invitae), Labcorp).

NM_153704.6(TMEM67):c.869+3A>T

Gene: TMEM67 (transmembrane protein 67; plus strand). Cytogenetic location: 8q22.1.
Variant type: single nucleotide variant.
Coding change: c.869+3A>T on transcript NM_153704.6 (MANE Select); 3 bases into the intron after coding-DNA position 869, A replaced by T.
Molecular consequence: intron variant.
Genome position (GRCh38, 1-based): chr8:93,780,750, A>T. VCF-style: chr8-93780750-A-T. GRCh37 (hg19) VCF-style: chr8-94792978-A-T.
Other names: c.626+3A>T (NM_001142301.1).
Identifiers: ClinVar variation 1012599 (VCV001012599.43), dbSNP rs1813784101, ClinGen allele CA1803221550.